The following is an entry in ClinVar:

NM_001377.3(DYNC2H1):c.9659C>A (p.Ser3220Tyr)

Gene: DYNC2H1 (dynein cytoplasmic 2 heavy chain 1; plus strand). Cytogenetic location: 11q22.3.
Variant type: single nucleotide variant.
Coding change: c.9659C>A on transcript NM_001377.3 (MANE Select); coding-DNA position 9659, C replaced by A.
Protein change: p.Ser3220Tyr; replaces serine 3220 with tyrosine.
Molecular consequence: missense variant.
Genome position (GRCh38, 1-based): chr11:103,235,763, C>A. VCF-style: chr11-103235763-C-A. GRCh37 (hg19) VCF-style: chr11-103106492-C-A.
Other names: c.9659C>A (NM_001080463.1); c.9659C>A, p.Ser3220Tyr (NM_001080463.2); short protein forms S3220Y.
Identifiers: ClinVar variation 1224363 (VCV001224363.4), dbSNP rs932956830, ClinGen allele CA227408964.

ClinVar aggregate classification (germline): Uncertain significance. Review status: criteria provided, multiple submitters, no conflicts (2 of 4 stars). 3 submissions from 3 submitters: Uncertain significance (2). 1 of the submissions does not count toward it. Last evaluated 2024-12-03.

Conditions:
DYNC2H1-related disorder. Also called: DYNC2H1-related disorders; DYNC2H1-related condition. Identifiers: MedGen CN378770.
Inborn genetic diseases. Identifiers: MedGen C0950123, MeSH D030342.

Allele frequency attached by ClinVar (database versions not stated): gnomAD exomes below 0.00001; gnomAD 0.00001 and 0.00002.
gnomAD v4.1: 3 of 1,611,732 alleles (0.00019%); highest among the groups gnomAD compares: Admixed American, 0.0017%; no homozygotes.

Submissions (3):

Ambry Genetics
Classification: Uncertain significance for Inborn genetic diseases. Last evaluated: 2024-12-03. Review status: criteria provided, single submitter. Criteria: Ambry Variant Classification Scheme 2023. Collection method: clinical testing. Allele origin: germline.

Blueprint Genetics
Classification: Uncertain significance. Last evaluated: 2018-05-07. Review status: criteria provided, single submitter. Criteria: ACMG Guidelines, 2015. Collection method: clinical testing. Allele origin: germline.

PreventionGenetics, part of Exact Sciences
Classification: Uncertain significance for DYNC2H1-related condition. Last evaluated: 2024-06-07. Review status: no assertion criteria provided. Collection method: clinical testing. Allele origin: germline. Not counted in ClinVar's aggregate classification.
Comment: The DYNC2H1 c.9659C>A variant is predicted to result in the amino acid substitution p.Ser3220Tyr. To our knowledge, this variant has not been reported in the literature. This variant is reported in 0.011% of alleles in individuals of African descent in gnomAD. At this time, the clinical significance of this variant is uncertain due to the absence of conclusive functional and genetic evidence.